The following is an entry in ClinVar:

NM_001844.5(COL2A1):c.959C>T (p.Pro320Leu)

Gene: COL2A1 (collagen type II alpha 1 chain; minus strand). Cytogenetic location: 12q13.11.
Variant type: single nucleotide variant.
Coding change: c.959C>T on transcript NM_001844.5 (MANE Select); coding-DNA position 959, C replaced by T.
Protein change: p.Pro320Leu; replaces proline 320 with leucine.
Molecular consequence: missense variant.
Genome position (GRCh38, 1-based): chr12:47,993,468, G>A on the plus strand (C>T on the coding strand, the complement: COL2A1 is on the minus strand). VCF-style: chr12-47993468-G-A. GRCh37 (hg19) VCF-style: chr12-48387251-G-A.
Other names: c.752C>T, p.Pro251Leu (NM_033150.3); short protein forms P251L, P320L.
Identifiers: ClinVar variation 1000286 (VCV001000286.14), dbSNP rs200549186, ClinGen allele CA6535695.
Genomic context (GRCh38, chr12:47,993,468, plus strand): 5'-ATAGTCTGAAGAGTCTTTGATAAACCTTCCTGGAGGGTGTCCATACTTACCATTGGGCCC[G>A]GAGATCCGTTCTCACCCGGGGAACCACTCTCACCCTGGAAAAATGATGCACAAGGTCAGT-3'
Protein context (NP_001835.3, residues 310-330): ESGSPGENGS[Pro320Leu]GPMGPRGLPG

ClinVar aggregate classification (germline): Conflicting classifications of pathogenicity. Review status: criteria provided, conflicting classifications (1 of 4 stars). 5 submissions from 5 submitters: Uncertain significance (3); Likely benign (2). Last evaluated 2025-11-25.

Conditions:
COL2A1-related disorder. Also called: COL2A1-related condition; COL2A1-related disorders.
Inborn genetic diseases. Identifiers: MedGen C0950123, MeSH D030342.

Allele frequency attached by ClinVar (database versions not stated): gnomAD 0.00004 and 0.00002; gnomAD exomes 0.00004 and 0.00005; ExAC 0.00002; TOPMed 0.00005; 1000 Genomes Project 0.00040; 1000 Genomes Project 30x 0.00047.
gnomAD v4.1: 70 of 1,613,254 alleles (0.0043%); highest among the groups gnomAD compares: Admixed American, 0.0067%; no homozygotes.

Submissions (5):

PreventionGenetics, part of Exact Sciences
Classification: Uncertain significance for COL2A1-related condition. Last evaluated: 2025-11-25. Review status: criteria provided, single submitter. Criteria: ACMG Guidelines, 2015. Collection method: clinical testing. Allele origin: germline.
Comment: The COL2A1 c.959C>T variant is predicted to result in the amino acid substitution p.Pro320Leu. To our knowledge, this variant has not been reported in the literature. This variant has been reported in 0.012% of alleles in individuals of Latino descent in gnomAD v2 (as displayed in the table above). However, in gnomAD v4 (available only on GRCh38), this variant is reported in 0.0067% of alleles in individuals of Latino descent, including zero homozygotes. Although we suspect that this variant may be benign, at this time, the clinical significance of this variant is uncertain due to the absence of conclusive functional and genetic evidence.

Labcorp Genetics (formerly Invitae), Labcorp
Classification: Likely benign. Last evaluated: 2025-09-28. Review status: criteria provided, single submitter. Criteria: Invitae Variant Classification Sherloc (09022015). Collection method: clinical testing. Allele origin: germline.

Ambry Genetics
Classification: Likely benign for Inborn genetic diseases. Last evaluated: 2025-04-18. Review status: criteria provided, single submitter. Criteria: Ambry Variant Classification Scheme 2023. Collection method: clinical testing. Allele origin: germline.

GeneDx
Classification: Uncertain significance. Last evaluated: 2025-03-31. Review status: criteria provided, single submitter. Criteria: GeneDx Variant Classification Process June 2021. Collection method: clinical testing. Allele origin: germline.
Comment: Has not been previously published as pathogenic or benign to our knowledge; Occurs in the triple helical domain at the Y position in the canonical Gly-X-Y repeat; although this variant may have an effect on normal protein folding and function, missense substitution at the Y position is not a common mechanism of disease (HGMD); In silico analysis supports that this missense variant has a deleterious effect on protein structure/function

Blueprint Genetics
Classification: Uncertain significance. Last evaluated: 2019-04-24. Review status: criteria provided, single submitter. Criteria: ACMG Guidelines, 2015. Collection method: clinical testing. Allele origin: germline.